The following is an entry in ClinVar:

ClinVar aggregate classification (germline): Uncertain significance (1 of 4 stars; one submission).

Submission:

Labcorp Genetics (formerly Invitae), Labcorp
Classification: Uncertain significance. Last evaluated: 2023-05-16. Review status: criteria provided, single submitter. Criteria: Invitae Variant Classification Sherloc (09022015). Collection method: clinical testing. Allele origin: germline.
Comment: In summary, the available evidence is currently insufficient to determine the role of this variant in disease. Therefore, it has been classified as a Variant of Uncertain Significance. Experimental studies and prediction algorithms are not available or were not evaluated, and the functional significance of this variant is currently unknown. This variant has not been reported in the literature in individuals affected with ERBIN-related conditions. Information on the frequency of this variant in the gnomAD database is not available, as this variant may be reported differently in the database. This sequence change replaces serine, which is neutral and polar, with proline, which is neutral and non-polar, at codon 967 of the ERBIN protein (p.Ser967Pro).

NM_001253697.2(ERBIN):c.2898_2899delinsGC (p.Ser967Pro)

Gene: ERBIN (erbb2 interacting protein; plus strand). Cytogenetic location: 5q12.3.
Variant type: Indel.
Coding change: c.2898_2899delinsGC on transcript NM_001253697.2 (MANE Select); coding-DNA positions 2898 to 2899, AT replaced by GC.
Protein change: p.Ser967Pro; replaces serine 967 with proline.
Molecular consequence: missense variant.
Genome position (GRCh38, 1-based): chr5:66,054,216-66,054,217, AT replaced by GC. VCF-style: chr5-66054216-AT-GC. GRCh37 (hg19) VCF-style: chr5-65350044-AT-GC.
Other names: c.2886_2887delinsGC, p.Ser963Pro (NM_001253701.2); c.2898_2899delinsGC, p.Ser967Pro (NM_018695.4, NM_001006600.3, NM_001253698.2 and 1 more transcripts); short protein forms S967P, S963P.
Identifiers: ClinVar variation 2827428 (VCV002827428.3), dbSNP rs2546813709, ClinGen allele CA2739274752.